The following is an entry in ClinVar:

ClinVar aggregate classification (germline): Uncertain significance. Review status: criteria provided, multiple submitters, no conflicts (2 of 4 stars). 3 submissions from 3 submitters: Uncertain significance (3). Last evaluated 2025-04-16.

Conditions:
Ataxia-telangiectasia syndrome (AT). Also called: Ataxia telangiectasia (A-T); LOUIS-BAR SYNDROME; Cerebello-oculocutaneous telangiectasia; Immunodeficiency with ataxia telangiectasia; Ataxia-telangiectasia, complementation group D; AT, COMPLEMENTATION GROUP C. Identifiers: Orphanet 100, MedGen C0004135, MONDO:0008840, OMIM 208900.
Hereditary cancer-predisposing syndrome. Also called: Hereditary neoplastic syndrome; Neoplastic Syndromes, Hereditary; Tumor predisposition; Hereditary Cancer Syndrome. Identifiers: Orphanet 140162, MedGen C0027672, MeSH D009386, MONDO:0015356.

Submissions (3):

Ambry Genetics
Classification: Uncertain significance for Hereditary cancer-predisposing syndrome. Last evaluated: 2025-04-16. Review status: criteria provided, single submitter. Criteria: Ambry Variant Classification Scheme 2023. Collection method: clinical testing. Allele origin: germline.
Comment: The p.D831Y variant (also known as c.2491G>T), located in coding exon 16 of the ATM gene, results from a G to T substitution at nucleotide position 2491. The aspartic acid at codon 831 is replaced by tyrosine, an amino acid with highly dissimilar properties. This amino acid position is well conserved in available vertebrate species. In addition, this alteration is predicted to be tolerated by in silico analysis. Based on the available evidence, the clinical significance of this variant remains unclear.

Color Diagnostics, LLC DBA Color Health
Classification: Uncertain significance for Hereditary cancer-predisposing syndrome. Last evaluated: 2023-12-05. Review status: criteria provided, single submitter. Criteria: ACMG Guidelines, 2015. Collection method: clinical testing. Allele origin: germline.
Comment: This missense variant replaces aspartic acid with tyrosine at codon 831 of the ATM protein. Computational prediction suggests that this variant may not impact protein structure and function (internally defined REVEL score threshold <= 0.5, PMID: 27666373). To our knowledge, functional studies have not been reported for this variant. This variant has not been reported in individuals affected with ATM-related disorders in the literature. This variant has not been identified in the general population by the Genome Aggregation Database (gnomAD). The available evidence is insufficient to determine the role of this variant in disease conclusively. Therefore, this variant is classified as a Variant of Uncertain Significance.

Labcorp Genetics (formerly Invitae), Labcorp
Classification: Uncertain significance for Ataxia-telangiectasia syndrome. Last evaluated: 2016-12-22. Review status: criteria provided, single submitter. Criteria: Invitae Variant Classification Sherloc (09022015). Collection method: clinical testing. Allele origin: germline.
Comment: In summary, this variant is a novel missense change with uncertain impact on protein function. It has been classified as a Variant of Uncertain Significance. Algorithms developed to predict the effect of missense changes on protein structure and function do not agree on the potential impact of this missense change (SIFT: "Deleterious"; PolyPhen-2: "Benign"; Align-GVGD: "Class C0"). This variant is not present in population databases (ExAC no frequency) and has not been reported in the literature in individuals with an ATM-related disease. This sequence change replaces aspartic acid with tyrosine at codon 831 of the ATM protein (p.Asp831Tyr). The aspartic acid residue is weakly conserved and there is a large physicochemical difference between aspartic acid and tyrosine.

NM_000051.4(ATM):c.2491G>T (p.Asp831Tyr)

Gene: ATM (ATM serine/threonine kinase; plus strand). Cytogenetic location: 11q22.3.
Variant type: single nucleotide variant.
Coding change: c.2491G>T on transcript NM_000051.4 (MANE Select); coding-DNA position 2491, G replaced by T.
Protein change: p.Asp831Tyr; replaces aspartic acid 831 with tyrosine.
Molecular consequence: missense variant.
Genome position (GRCh38, 1-based): chr11:108,267,195, G>T. VCF-style: chr11-108267195-G-T. GRCh37 (hg19) VCF-style: chr11-108137922-G-T.
Other names: c.2491G>T, p.Asp831Tyr (NM_001351834.2); short protein forms D831Y.
Identifiers: ClinVar variation 407552 (VCV000407552.14), dbSNP rs1060501595, ClinGen allele CA16613293.